The following is an entry in ClinVar:

ClinVar aggregate classification (germline): Uncertain significance (1 of 4 stars; one submission).

gnomAD v4.1: 2 of 1,586,436 alleles (0.00013%); highest among the groups gnomAD compares: Non-Finnish European, 0.000086%; no homozygotes.

Submission:

Labcorp Genetics (formerly Invitae), Labcorp
Classification: Uncertain significance. Last evaluated: 2022-05-05. Review status: criteria provided, single submitter. Criteria: Invitae Variant Classification Sherloc (09022015). Collection method: clinical testing. Allele origin: germline.
Comment: This sequence change replaces glutamic acid, which is acidic and polar, with lysine, which is basic and polar, at codon 1183 of the CARMIL2 protein (p.Glu1183Lys). This variant is present in population databases (no rsID available, gnomAD 0.03%). This variant has not been reported in the literature in individuals affected with CARMIL2-related conditions. Algorithms developed to predict the effect of missense changes on protein structure and function are either unavailable or do not agree on the potential impact of this missense change (SIFT: "Tolerated"; PolyPhen-2: "Possibly Damaging"; Align-GVGD: "Class C0"). In summary, the available evidence is currently insufficient to determine the role of this variant in disease. Therefore, it has been classified as a Variant of Uncertain Significance.

NM_001013838.3(CARMIL2):c.3547G>A (p.Glu1183Lys)

Gene: CARMIL2 (capping protein regulator and myosin 1 linker 2; plus strand). Cytogenetic location: 16q22.1.
Variant type: single nucleotide variant.
Coding change: c.3547G>A on transcript NM_001013838.3 (MANE Select); coding-DNA position 3547, G replaced by A.
Protein change: p.Glu1183Lys; replaces glutamic acid 1183 with lysine.
Molecular consequence: missense variant.
Genome position (GRCh38, 1-based): chr16:67,654,657, G>A. VCF-style: chr16-67654657-G-A. GRCh37 (hg19) VCF-style: chr16-67688560-G-A.
Other names: c.3439G>A, p.Glu1147Lys (NM_001317026.3); short protein forms E1147K, E1183K.
Identifiers: ClinVar variation 1954119 (VCV001954119.2), dbSNP rs754498065, ClinGen allele CA396345372.